The following is an entry in ClinVar:

ClinVar aggregate classification (germline): Uncertain significance (1 of 4 stars; one submission).

Submission:

GeneDx
Classification: Uncertain significance. Last evaluated: 2023-06-09. Review status: criteria provided, single submitter. Criteria: GeneDx Variant Classification Process June 2021. Collection method: clinical testing. Allele origin: germline. Affected: yes.
Comment: Not observed at significant frequency in large population cohorts (gnomAD); In-frame deletion of 4 amino acids and insertion of 1 amino acid in a non-repeat region; In silico analysis supports a deleterious effect on protein structure/function; Has not been previously published as pathogenic or benign to our knowledge

NM_133433.4(NIPBL):c.4524_4534delinsAG (p.Lys1509_Asn1512delinsAsp)

Gene: NIPBL (NIPBL cohesin loading factor; plus strand). Cytogenetic location: 5p13.2.
Variant type: Indel.
Coding change: c.4524_4534delinsAG on transcript NM_133433.4 (MANE Select); coding-DNA positions 4524 to 4534, GAAGGACTCTA replaced by AG.
Protein change: p.Lys1509_Asn1512delinsAsp.
Molecular consequence: inframe indel.
Genome position (GRCh38, 1-based): chr5:37,010,189-37,010,199, GAAGGACTCTA replaced by AG. VCF-style: chr5-37010189-GAAGGACTCTA-AG. GRCh37 (hg19) VCF-style: chr5-37010291-GAAGGACTCTA-AG.
Other names: c.4524_4534delinsAG, p.Lys1509_Asn1512delinsAsp (NM_015384.5).
Identifiers: ClinVar variation 3253189 (VCV003253189.1), dbSNP rs2478191103.
Genomic context (GRCh38, chr5:37,010,189, plus strand): 5'-GATGGTTACAGCACTGGTTTTACAACTTATTCAGTGTGTGGTACACTTACCATCATCAGA[GAAGGACTCTA>AG]ATGCAGAAGAAGATTCAAATAAAAAAGTAAGGAATCTATTAAAGGTTTTACAACTGTACT-3'